The following is an entry in ClinVar:

ClinVar aggregate classification (germline): Uncertain significance. Review status: criteria provided, multiple submitters, no conflicts (2 of 4 stars). 2 submissions from 2 submitters: Uncertain significance (2). Last evaluated 2021-08-16.

Conditions:
Cardiovascular phenotype. Identifiers: MedGen CN230736.

Allele frequency attached by ClinVar (database versions not stated): TOPMed 0.00001.

Submissions (2):

Ambry Genetics
Classification: Uncertain significance for Cardiovascular phenotype. Last evaluated: 2021-08-16. Review status: criteria provided, single submitter. Criteria: Ambry Variant Classification Scheme 2023. Collection method: clinical testing. Allele origin: germline.
Comment: The p.F1644L variant (also known as c.4932C>G), located in coding exon 27 of the SCN10A gene, results from a C to G substitution at nucleotide position 4932. The phenylalanine at codon 1644 is replaced by leucine, an amino acid with highly similar properties. This amino acid position is conserved. In addition, this alteration is predicted to be deleterious by in silico analysis. Since supporting evidence is limited at this time, the clinical significance of this alteration remains unclear.

GeneDx
Classification: Uncertain significance. Last evaluated: 2019-09-19. Review status: criteria provided, single submitter. Criteria: GeneDx Variant Classification Process June 2021. Collection method: clinical testing. Allele origin: germline. Affected: yes.
Comment: Not observed in large population cohorts (Lek et al., 2016); In silico analysis, which includes protein predictors and evolutionary conservation, supports a deleterious effect; Has not been previously published as pathogenic or benign to our knowledge

NM_006514.4(SCN10A):c.4932C>G (p.Phe1644Leu)

Gene: SCN10A (sodium voltage-gated channel alpha subunit 10; minus strand). Cytogenetic location: 3p22.2.
Variant type: single nucleotide variant.
Coding change: c.4932C>G on transcript NM_006514.4 (MANE Select); coding-DNA position 4932, C replaced by G.
Protein change: p.Phe1644Leu; replaces phenylalanine 1644 with leucine.
Molecular consequence: missense variant.
Genome position (GRCh38, 1-based): chr3:38,698,288, G>C on the plus strand (C>G on the coding strand, the complement: SCN10A is on the minus strand). VCF-style: chr3-38698288-G-C. GRCh37 (hg19) VCF-style: chr3-38739779-G-C.
Other names: c.4929C>G, p.Phe1643Leu (NM_001293306.2); c.4638C>G, p.Phe1546Leu (NM_001293307.2); short protein forms F1546L, F1643L, F1644L.
Identifiers: ClinVar variation 1303582 (VCV001303582.4), dbSNP rs2063118583, ClinGen allele CA352155080.